The following is an entry in ClinVar:

ClinVar aggregate classification (germline): Uncertain significance. Review status: criteria provided, multiple submitters, no conflicts (2 of 4 stars). 2 submissions from 2 submitters: Uncertain significance (2). Last evaluated 2025-12-24.

Conditions:
Andersen Tawil syndrome (LQT7). Also called: PERIODIC PARALYSIS, POTASSIUM-SENSITIVE CARDIODYSRHYTHMIC TYPE; Potassium-sensitive periodic paralysis, ventricular ectopy, and dysmorphic features; ANDERSEN CARDIODYSRHYTHMIC PERIODIC PARALYSIS; Andersen Syndrome; LONG QT SYNDROME 7. Identifiers: Orphanet 37553, MedGen C1563715, MONDO:0008222, OMIM 170390.
Short QT syndrome type 3. Identifiers: Orphanet 51083, MedGen C1865018, MONDO:0012314, OMIM 609622.
Cardiovascular phenotype. Identifiers: MedGen CN230736.

Allele frequency attached by ClinVar (database versions not stated): gnomAD exomes below 0.00001.
gnomAD v4.1: 1 of 1,614,130 alleles (0.000062%); highest among the groups gnomAD compares: Middle Eastern, 0.016%; no homozygotes.

Submissions (2):

Labcorp Genetics (formerly Invitae), Labcorp
Classification: Uncertain significance for Short QT syndrome type 3; Andersen Tawil syndrome. Last evaluated: 2025-12-24. Review status: criteria provided, single submitter. Criteria: Invitae Variant Classification Sherloc (09022015). Collection method: clinical testing. Allele origin: germline.
Comment: This sequence change replaces aspartic acid, which is acidic and polar, with glutamic acid, which is acidic and polar, at codon 407 of the KCNJ2 protein (p.Asp407Glu). This variant is not present in population databases (gnomAD no frequency). This variant has not been reported in the literature in individuals affected with KCNJ2-related conditions. ClinVar contains an entry for this variant (Variation ID: 2452379). Invitae Evidence Modeling of protein sequence and biophysical properties (such as structural, functional, and spatial information, amino acid conservation, physicochemical variation, residue mobility, and thermodynamic stability) indicates that this missense variant is not expected to disrupt KCNJ2 protein function with a negative predictive value of 95%. In summary, the available evidence is currently insufficient to determine the role of this variant in disease. Therefore, it has been classified as a Variant of Uncertain Significance.

Ambry Genetics
Classification: Uncertain significance for Cardiovascular phenotype. Last evaluated: 2023-03-20. Review status: criteria provided, single submitter. Criteria: Ambry Variant Classification Scheme 2023. Collection method: clinical testing. Allele origin: germline.
Comment: The p.D407E variant (also known as c.1221C>A), located in coding exon 1 of the KCNJ2 gene, results from a C to A substitution at nucleotide position 1221. The aspartic acid at codon 407 is replaced by glutamic acid, an amino acid with highly similar properties. This amino acid position is not well conserved in available vertebrate species. In addition, this alteration is predicted to be tolerated by in silico analysis. Since supporting evidence is limited at this time, the clinical significance of this alteration remains unclear.

NM_000891.3(KCNJ2):c.1221C>A (p.Asp407Glu)

Gene: KCNJ2 (potassium inwardly rectifying channel subfamily J member 2; plus strand). Cytogenetic location: 17q24.3.
Variant type: single nucleotide variant.
Coding change: c.1221C>A on transcript NM_000891.3 (MANE Select); coding-DNA position 1221, C replaced by A.
Protein change: p.Asp407Glu; replaces aspartic acid 407 with glutamic acid.
Molecular consequence: missense variant.
Genome position (GRCh38, 1-based): chr17:70,176,260, C>A. VCF-style: chr17-70176260-C-A. GRCh37 (hg19) VCF-style: chr17-68172401-C-A.
Other names: short protein forms D407E.
Identifiers: ClinVar variation 2452379 (VCV002452379.4), dbSNP rs2509921861, ClinGen allele CA400864062.
Genomic context (GRCh38, chr17:70,176,260, plus strand): 5'-AGACGACAGTGAAAATGGAGTTCCAGAAAGCACTAGTACGGACACGCCCCCTGACATAGA[C>A]CTTCACAACCAGGCAAGTGTACCTCTAGAGCCCAGGCCCTTACGGCGAGAGTCGGAGATA-3'
Protein context (NP_000882.1, residues 397-417): STSTDTPPDI[Asp407Glu]LHNQASVPLE